The following is an entry in ClinVar:

NM_002474.3(MYH11):c.1402-5C>G

Gene: MYH11 (myosin heavy chain 11; minus strand). Cytogenetic location: 16p13.11.
Variant type: single nucleotide variant.
Coding change: c.1402-5C>G on transcript NM_002474.3 (MANE Select); 5 bases into the intron before coding-DNA position 1402, C replaced by G.
Molecular consequence: intron variant.
Genome position (GRCh38, 1-based): chr16:15,758,005, G>C on the plus strand (C>G on the coding strand, the complement: MYH11 is on the minus strand). VCF-style: chr16-15758005-G-C. GRCh37 (hg19) VCF-style: chr16-15851862-G-C.
Other names: c.1402-5C>G (NM_022844.3); c.1423-5C>G (NM_001040114.2, NM_001040113.2).
Identifiers: ClinVar variation 927989 (VCV000927989.9), dbSNP rs372223335, ClinGen allele CA278644413.

ClinVar aggregate classification (germline): Conflicting classifications of pathogenicity. Review status: criteria provided, conflicting classifications (1 of 4 stars). 3 submissions from 3 submitters: Uncertain significance (2); Likely benign (1). Last evaluated 2025-09-11.

Conditions:
Familial thoracic aortic aneurysm and aortic dissection (TAAD). Also called: Thoracic aortic aneurysms and dissections. Identifiers: Orphanet 91387, MedGen C4707243, MONDO:0019625.
Aortic aneurysm, familial thoracic 4 (AAT4). Also called: AORTIC ANEURYSM/AORTIC DISSECTION AND PATENT DUCTUS ARTERIOSUS. Identifiers: MedGen C1851504, MONDO:0007568, OMIM 132900.

Allele frequency attached by ClinVar (database versions not stated): TOPMed 0.00001.
gnomAD v4.1: 2 of 1,613,642 alleles (0.00012%); no homozygotes.

Submissions (3):

Labcorp Genetics (formerly Invitae), Labcorp
Classification: Likely benign for Aortic aneurysm, familial thoracic 4. Last evaluated: 2025-09-11. Review status: criteria provided, single submitter. Criteria: Invitae Variant Classification Sherloc (09022015). Collection method: clinical testing. Allele origin: germline.

Ambry Genetics
Classification: Uncertain significance for Familial thoracic aortic aneurysm and aortic dissection. Last evaluated: 2021-10-20. Review status: criteria provided, single submitter. Criteria: Ambry Variant Classification Scheme 2023. Collection method: clinical testing. Allele origin: germline.
Comment: The c.1402-5C>G intronic variant results from a C to G substitution 5 nucleotides upstream from coding exon 12 in the MYH11 gene. This nucleotide position is not well conserved in available vertebrate species. In silico splice site analysis for this alteration is inconclusive. Since supporting evidence is limited at this time, the clinical significance of this alteration remains unclear.

Color Diagnostics, LLC DBA Color Health
Classification: Uncertain significance for Familial thoracic aortic aneurysm and aortic dissection. Last evaluated: 2019-08-21. Review status: criteria provided, single submitter. Criteria: ACMG Guidelines, 2015. Collection method: clinical testing. Allele origin: germline.
Comment: This variant causes a C>G nucleotide substitution at the -5 position of intron 13 of the MYH11 gene. Splicing prediction tools and conservation analyses are inconclusive regarding the impact of this variant on RNA splicing. To our knowledge, functional studies have not been performed for this variant. This variant has not been reported in individuals affected with cardiovascular disorders in the literature. This variant has not been identified in the general population by the Genome Aggregation Database (gnomAD). The available evidence is insufficient to determine the role of this variant in disease conclusively. Therefore, this variant is classified as a Variant of Uncertain Significance.